The following is an entry in ClinVar:

NM_005932.4(MIPEP):c.1728+5G>T

Gene: MIPEP (mitochondrial intermediate peptidase; minus strand). Cytogenetic location: 13q12.12.
Variant type: single nucleotide variant.
Coding change: c.1728+5G>T on transcript NM_005932.4 (MANE Select); 5 bases into the intron after coding-DNA position 1728, G replaced by T.
Molecular consequence: intron variant.
Genome position (GRCh38, 1-based): chr13:23,809,845, C>A on the plus strand (G>T on the coding strand, the complement: MIPEP is on the minus strand). VCF-style: chr13-23809845-C-A. GRCh37 (hg19) VCF-style: chr13-24383984-C-A.
Other names: NC_000013.10:g.24383984C>A.
Identifiers: ClinVar variation 2223623 (VCV002223623.5), dbSNP rs557275294, ClinGen allele CA6912888.
Genomic context (GRCh38, chr13:23,809,845, plus strand): 5'-GTAAAGTTATATATTTATTTGGGATAATGACTCCGGAAAACTTCAGAACAAAGGTACATA[C>A]ATACCTGAAGTTGCATATCAGCTGCAGCACAAACCTTTTTAGATTCACAAAGACGAGACA-3'

ClinVar aggregate classification (germline): Conflicting classifications of pathogenicity. Review status: criteria provided, conflicting classifications (1 of 4 stars). 3 submissions from 3 submitters: Uncertain significance (2); Likely benign (1). Last evaluated 2024-09-20.

Conditions:
Inborn genetic diseases. Identifiers: MedGen C0950123, MeSH D030342.
Lethal left ventricular non-compaction-seizures-hypotonia-cataract-developmental delay syndrome. Also called: Combined oxidative phosphorylation deficiency 31. Identifiers: Orphanet 478049, MedGen C4310661, MONDO:0014976, OMIM 617228.

Allele frequency attached by ClinVar (database versions not stated): gnomAD exomes 0.00006; ExAC 0.00008; gnomAD 0.00013; 1000 Genomes Project 30x 0.00016; 1000 Genomes Project 0.00020; TOPMed 0.00024.
gnomAD v4.1: 115 of 1,600,324 alleles (0.0072%); highest among the groups gnomAD compares: Middle Eastern, 0.083%; no homozygotes.

Submissions (6):

3billion
Classification: Likely benign for Lethal left ventricular non-compaction-seizures-hypotonia-cataract-developmental delay syndrome. Last evaluated: 2024-09-20. Review status: criteria provided, single submitter. Criteria: ACMG Guidelines, 2015. Collection method: clinical testing. Allele origin: germline. Affected: no.
Comment: The homozygous variant was found in patients diagnosed with another variant in a different gene, with no symptoms related to the gene containing the homozygous variant.

Blueprint Genetics
Classification: Uncertain significance. Last evaluated: 2023-07-12. Review status: criteria provided, single submitter. Criteria: ACMG Guidelines, 2015. Collection method: clinical testing. Allele origin: germline.

Ambry Genetics
Classification: Uncertain significance for Inborn genetic diseases. Last evaluated: 2021-05-04. Review status: criteria provided, single submitter. Criteria: Ambry Variant Classification Scheme 2023. Collection method: clinical testing. Allele origin: germline.
Comment: The c.1728+5G>T intronic alteration consists of a G to T substitution nucleotides after coding exon 15 in the MIPEP gene. Based on insufficient or conflicting evidence, the clinical significance of this alteration remains unclear.

Dr. Peter K. Rogan Lab, Western University
No classification provided (evidence only). Condition: Familial cancer of breast. Review status: no classification provided. Collection method: in vitro. Allele origin: not applicable. Functional consequence: skipped exon, retained intron. Not counted in ClinVar's aggregate classification.

Dr. Peter K. Rogan Lab, Western University
No classification provided (evidence only). Condition: Cervical cancer. Review status: no classification provided. Collection method: in vitro. Allele origin: not applicable. Functional consequence: skipped exon, retained intron. Not counted in ClinVar's aggregate classification.

Dr. Peter K. Rogan Lab, Western University
No classification provided (evidence only). Condition: Sarcoma. Review status: no classification provided. Collection method: in vitro. Allele origin: not applicable. Functional consequence: skipped exon. Not counted in ClinVar's aggregate classification.